The following is an entry in ClinVar:

ClinVar aggregate classification (germline): Uncertain significance (1 of 4 stars; one submission).

Allele frequency attached by ClinVar (database versions not stated): gnomAD exomes below 0.00001; TOPMed below 0.00001.
gnomAD v4.1: 7 of 1,539,920 alleles (0.00045%); highest among the groups gnomAD compares: African/African-American, 0.0055%; no homozygotes.

Submission:

GeneDx
Classification: Uncertain significance. Last evaluated: 2020-11-10. Review status: criteria provided, single submitter. Criteria: GeneDx Variant Classification Process June 2021. Collection method: clinical testing. Allele origin: germline. Affected: yes.
Comment: In silico analysis supports that this missense variant has a deleterious effect on protein structure/function; Variants in candidate genes are classified as variants of uncertain significance in accordance with ACMG guidelines (Richards et al., 2015); Has not been previously published as pathogenic or benign to our knowledge

NM_020719.3(PRR12):c.3485C>T (p.Ala1162Val)

Gene: PRR12 (proline rich 12; plus strand). Cytogenetic location: 19q13.33.
Variant type: single nucleotide variant.
Coding change: c.3485C>T on transcript NM_020719.3 (MANE Select); coding-DNA position 3485, C replaced by T.
Protein change: p.Ala1162Val; replaces alanine 1162 with valine.
Molecular consequence: missense variant.
Genome position (GRCh38, 1-based): chr19:49,597,820, C>T. VCF-style: chr19-49597820-C-T. GRCh37 (hg19) VCF-style: chr19-50101077-C-T.
Other names: short protein forms A1162V.
Identifiers: ClinVar variation 1313612 (VCV001313612.2), dbSNP rs894650382, ClinGen allele CA309530372.